The following is an entry in ClinVar:

ClinVar aggregate classification (germline): Uncertain significance. Review status: criteria provided, multiple submitters, no conflicts (2 of 4 stars). 3 submissions from 3 submitters: Uncertain significance (2). 1 of the submissions does not count toward it. Last evaluated 2022-02-19.

Conditions:
Congenital adrenal insufficiency with 46, XY sex reversal OR 46,XY disorder of sex development-adrenal insufficiency due to CYP11A1 deficiency. Also called: Congenital adrenal insuffiency with 46, XY sex reversal OR 46,XY disorder of sex development-adrenal insufficiency due to CYP11A1 deficiency; P450scc DEFICIENCY. Identifiers: Orphanet 168558, MedGen C3151055, MONDO:0013400, OMIM 613743.

Allele frequency attached by ClinVar (database versions not stated): gnomAD exomes below 0.00001; TOPMed below 0.00001; ExAC 0.00001; gnomAD 0.00001.
gnomAD v4.1: 14 of 1,614,028 alleles (0.00087%); highest among the groups gnomAD compares: African/African-American, 0.008%; no homozygotes.

Submissions (3):

Fulgent Genetics
Classification: Uncertain significance for Congenital adrenal insufficiency with 46, XY sex reversal OR 46,XY disorder of sex development-adrenal insufficiency due to CYP11A1 deficiency. Last evaluated: 2022-02-19. Review status: criteria provided, single submitter. Criteria: ACMG Guidelines, 2015. Collection method: clinical testing. Allele origin: unknown.

Breakthrough Genomics
Classification: Uncertain significance. Review status: criteria provided, single submitter. Criteria: ACMG Guidelines, 2015. Collection method: not provided. Allele origin: germline. Inheritance: Unknown mechanism. Affected: yes.

Department of Pathology and Laboratory Medicine, Sinai Health System
Classification: Uncertain significance. Review status: no assertion criteria provided. Collection method: clinical testing. Allele origin: unknown. Affected: yes. Study: The Canadian Open Genetics Repository (COGR). Not counted in ClinVar's aggregate classification.
Comment: The CYP11A1 p.Pro274Ser variant was not identified in the literature nor was it identified in ClinVar. The variant was identified in dbSNP (ID: rs748390637) and in control databases in 1 of 251448 chromosomes at a frequency of 0.000003977 (Genome Aggregation Database March 6, 2019, v2.1.1). The variant was observed in the European (non-Finnish) population in 1 of 113732 chromosomes (freq: 0.000009), but was not observed in the African, Latino, Ashkenazi Jewish, East Asian, European (Finnish), Other, or South Asian populations. The p.Pro274 residue is conserved across mammals and other organisms, and computational analyses (PolyPhen-2, SIFT, AlignGVGD, BLOSUM, MutationTaster) suggest that the variant may impact the protein; however, this information is not predictive enough to assume pathogenicity. The variant occurs outside of the splicing consensus sequence and in silico or computational prediction software programs (SpliceSiteFinder, MaxEntScan, NNSPLICE, GeneSplicer) do not predict a difference in splicing. In summary, based on the above information the clinical significance of this variant cannot be determined with certainty at this time. This variant is classified as a variant of uncertain significance.

NM_000781.3(CYP11A1):c.1294C>T (p.Pro432Ser)

Gene: CYP11A1 (cytochrome P450 family 11 subfamily A member 1; minus strand). Cytogenetic location: 15q24.1.
Variant type: single nucleotide variant.
Coding change: c.1294C>T on transcript NM_000781.3 (MANE Select); coding-DNA position 1294, C replaced by T.
Protein change: p.Pro432Ser; replaces proline 432 with serine.
Molecular consequence: missense variant.
Genome position (GRCh38, 1-based): chr15:74,338,711, G>A on the plus strand (C>T on the coding strand, the complement: CYP11A1 is on the minus strand). VCF-style: chr15-74338711-G-A. GRCh37 (hg19) VCF-style: chr15-74631052-G-A.
Other names: c.820C>T, p.Pro274Ser (NM_001099773.2); short protein forms P274S, P432S.
Identifiers: ClinVar variation 1048815 (VCV001048815.3), dbSNP rs748390637, ClinGen allele CA7656298.